The following is an entry in ClinVar:

ClinVar aggregate classification (germline): Pathogenic (1 of 4 stars; one submission).

Conditions:
Arrhythmogenic cardiomyopathy with wooly hair and keratoderma. Also called: PALMOPLANTAR KERATODERMA WITH LEFT VENTRICULAR CARDIOMYOPATHY AND WOOLLY HAIR; Carvajal syndrome; Dilated cardiomyopathy with woolly hair and keratoderma; Arrhythmogenic cardiomyopathy with woolly hair and keratoderma. Identifiers: Orphanet 65282, MedGen C1854063, MONDO:0011581, OMIM 605676.
Arrhythmogenic right ventricular dysplasia 8 (ARVD8). Also called: Arrhythmogenic Right Ventricular Dysplasia/Cardiomyopathy 8; ARRHYTHMOGENIC RIGHT VENTRICULAR DYSPLASIA, FAMILIAL, 8; ARRHYTHMOGENIC RIGHT VENTRICULAR CARDIOMYOPATHY 8. Identifiers: MedGen C1843896, MONDO:0011831, OMIM 607450.

Submission:

Labcorp Genetics (formerly Invitae), Labcorp
Classification: Pathogenic for Arrhythmogenic cardiomyopathy with wooly hair and keratoderma; Arrhythmogenic right ventricular dysplasia 8. Last evaluated: 2026-01-15. Review status: criteria provided, single submitter. Criteria: Invitae Variant Classification Sherloc (09022015). Collection method: clinical testing. Allele origin: germline.
Comment: This sequence change creates a premature translational stop signal (p.Trp233*) in the DSP gene. It is expected to result in an absent or disrupted protein product. Loss-of-function variants in DSP are known to be pathogenic (PMID: 20716751, 24503780, 25227139, 30398466). This variant is not present in population databases (gnomAD no frequency). This premature translational stop signal has been observed in individual(s) with arrhythmogenic right ventricular cardiomyopathy or dilated cardiomyopathy (PMID: 16917092, 24503780). ClinVar contains an entry for this variant (Variation ID: 2951942). For these reasons, this variant has been classified as Pathogenic.

Literature cited by the submitters: PubMed 20716751; PubMed 24503780; PubMed 25227139; PubMed 30398466; PubMed 16917092.

NM_004415.4(DSP):c.698G>A (p.Trp233Ter)

Gene: DSP (desmoplakin; plus strand). Cytogenetic location: 6p24.3.
Variant type: single nucleotide variant.
Coding change: c.698G>A on transcript NM_004415.4 (MANE Select); coding-DNA position 698, G replaced by A.
Protein change: p.Trp233Ter; replaces tryptophan 233 with a stop codon.
Molecular consequence: nonsense.
Genome position (GRCh38, 1-based): chr6:7,562,752, G>A. VCF-style: chr6-7562752-G-A. GRCh37 (hg19) VCF-style: chr6-7562985-G-A.
Other names: c.698G>A, p.Trp233Ter (NM_001008844.3, NM_001319034.2, NM_001406591.1); short protein forms W233*.
Identifiers: ClinVar variation 2951942 (VCV002951942.3), dbSNP rs2533863740, ClinGen allele CA362673575.